The following is an entry in ClinVar:

ClinVar aggregate classification (germline): Uncertain significance. Review status: criteria provided, multiple submitters, no conflicts (2 of 4 stars). 2 submissions from 2 submitters: Uncertain significance (2). Last evaluated 2026-05-07.

Conditions:
Cardiovascular phenotype. Identifiers: MedGen CN230736.
Long QT syndrome (LQTS). Identifiers: MedGen C0023976, MeSH D008133, MONDO:0002442. Disease mechanism: loss of function. Inheritance: Various modes of inheritance.

Allele frequency attached by ClinVar (database versions not stated): gnomAD exomes 0.00001; ExAC 0.00001.
gnomAD v4.1: 4 of 1,612,900 alleles (0.00025%); highest among the groups gnomAD compares: South Asian, 0.0044%; no homozygotes.

Submissions (2):

Ambry Genetics
Classification: Uncertain significance for Cardiovascular phenotype. Last evaluated: 2026-05-07. Review status: criteria provided, single submitter. Criteria: Ambry Variant Classification Scheme 2023. Collection method: clinical testing. Allele origin: germline.
Comment: The p.G219E variant (also known as c.656G>A), located in coding exon 4 of the KCNQ1 gene, results from a G to A substitution at nucleotide position 656. The glycine at codon 219 is replaced by glutamic acid, an amino acid with similar properties. This variant was reported in individual(s) with features consistent with long QT syndrome (Zhao Y et al. Medicine (Baltimore), 2021 Jan;100:e24032). This amino acid position is highly conserved in available vertebrate species. In addition, this alteration is predicted to be deleterious by in silico analysis. Based on the available evidence, the clinical significance of this variant remains unclear.

Labcorp Genetics (formerly Invitae), Labcorp
Classification: Uncertain significance for Long QT syndrome. Last evaluated: 2023-04-19. Review status: criteria provided, single submitter. Criteria: Invitae Variant Classification Sherloc (09022015). Collection method: clinical testing. Allele origin: germline.
Comment: In summary, the available evidence is currently insufficient to determine the role of this variant in disease. Therefore, it has been classified as a Variant of Uncertain Significance. Advanced modeling of protein sequence and biophysical properties (such as structural, functional, and spatial information, amino acid conservation, physicochemical variation, residue mobility, and thermodynamic stability) performed at Invitae indicates that this missense variant is expected to disrupt KCNQ1 protein function. This missense change has been observed in individual(s) with autosomal dominant long QT syndrome (PMID: 33466149). This variant is present in population databases (rs767472291, gnomAD 0.006%). This sequence change replaces glycine, which is neutral and non-polar, with glutamic acid, which is acidic and polar, at codon 219 of the KCNQ1 protein (p.Gly219Glu).

Literature cited by the submitters: PubMed 33466149 (cited by Ambry Genetics and Labcorp Genetics (formerly Invitae), Labcorp).

NM_000218.3(KCNQ1):c.656G>A (p.Gly219Glu)

Gene: KCNQ1 (potassium voltage-gated channel subfamily Q member 1; plus strand). Cytogenetic location: 11p15.5.
Variant type: single nucleotide variant.
Coding change: c.656G>A on transcript NM_000218.3 (MANE Select); coding-DNA position 656, G replaced by A.
Protein change: p.Gly219Glu; replaces glycine 219 with glutamic acid.
Molecular consequence: missense variant. On other transcripts: intron variant (1).
Genome position (GRCh38, 1-based): chr11:2,571,376, G>A. VCF-style: chr11-2571376-G-A. GRCh37 (hg19) VCF-style: chr11-2592606-G-A.
Other names: c.656G>A, p.Gly219Glu (NM_001406836.1); c.386G>A, p.Gly129Glu (NM_001406837.1); c.275G>A, p.Gly92Glu (NM_181798.2); c.478-12059G>A (NM_001406838.1); short protein forms G219E, G92E, G129E.
Identifiers: ClinVar variation 3003778 (VCV003003778.4), dbSNP rs767472291, ClinGen allele CA039377.